The following is an entry in ClinVar:

ClinVar aggregate classification (germline): Uncertain significance. Review status: criteria provided, multiple submitters, no conflicts (2 of 4 stars). 5 submissions from 5 submitters: Uncertain significance (5). Last evaluated 2025-05-14.

Conditions:
BBS10-related disorder. Also called: BBS10-related condition.
Bardet-Biedl syndrome (BBS). Identifiers: Orphanet 110, MedGen C0752166, MONDO:0015229.

Allele frequency attached by ClinVar (database versions not stated): gnomAD 0.00001; gnomAD exomes 0.00001; TOPMed 0.00001.
gnomAD v4.1: 4 of 1,611,686 alleles (0.00025%); highest among the groups gnomAD compares: African/African-American, 0.0013%; no homozygotes.

Submissions (5):

PreventionGenetics, part of Exact Sciences
Classification: Uncertain significance for BBS10-related condition. Last evaluated: 2025-05-14. Review status: criteria provided, single submitter. Criteria: ACMG Guidelines, 2015. Collection method: clinical testing. Allele origin: germline.
Comment: The BBS10 c.986C>T variant is predicted to result in the amino acid substitution p.Ser329Leu. This variant, along with the missense variant c.1088C>T (p.Pro363Leu) and a frameshift variant (p.C91fs*95), was reported in an individual with Bardet-Biedl syndrome (Supplementary Table 1, Stoetzel et al. 2006. PubMed ID: 16582908). A functional study reported that this variant does not alter protein function (Supplementary Table 5, Zaghloul et al. 2010. PubMed ID: 20498079). This variant has not been reported in a large population database, indicating this variant is rare. Although we suspect that this variant may be pathogenic, at this time, the clinical significance of this variant is uncertain due to the absence of conclusive functional and genetic evidence.

Labcorp Genetics (formerly Invitae), Labcorp
Classification: Uncertain significance for Bardet-Biedl syndrome. Last evaluated: 2024-05-18. Review status: criteria provided, single submitter. Criteria: Invitae Variant Classification Sherloc (09022015). Collection method: clinical testing. Allele origin: germline.
Comment: This sequence change replaces serine, which is neutral and polar, with leucine, which is neutral and non-polar, at codon 329 of the BBS10 protein (p.Ser329Leu). This variant is not present in population databases (gnomAD no frequency). This missense change has been observed in individual(s) with clinical features of Bardet-Biedl syndrome (PMID: 16582908, 21157496). ClinVar contains an entry for this variant (Variation ID: 595699). Advanced modeling of protein sequence and biophysical properties (such as structural, functional, and spatial information, amino acid conservation, physicochemical variation, residue mobility, and thermodynamic stability) performed at Invitae indicates that this missense variant is expected to disrupt BBS10 protein function with a positive predictive value of 80%. Experimental studies are conflicting or provide insufficient evidence to determine the effect of this variant on BBS10 function (PMID: 20080638, 20498079). In summary, the available evidence is currently insufficient to determine the role of this variant in disease. Therefore, it has been classified as a Variant of Uncertain Significance.

Women's Health and Genetics/Laboratory Corporation of America, LabCorp
Classification: Uncertain significance. Last evaluated: 2022-02-18. Review status: criteria provided, single submitter. Criteria: LabCorp Variant Classification Summary - May 2015. Collection method: clinical testing. Allele origin: germline.
Comment: Variant summary: BBS10 c.986C>T (p.Ser329Leu) results in a non-conservative amino acid change in the encoded protein sequence. Five of five in-silico tools predict a damaging effect of the variant on protein function. The variant was absent in 249524 control chromosomes (gnomAD). The available data on variant occurrences in the general population are insufficient to allow any conclusion about variant significance. c.986C>T has been reported in the literature in individuals affected with Bardet-Biedl Syndrome (example: Stoetzel_2006 and Pereiro_2011). These reports do not provide unequivocal conclusions about association of the variant with Bardet-Biedl Syndrome. Seo et al (2010) demonstrated the variant protein has reduced interactions with BBS7, BBS9 and BBS12. An in vivo analysis on the other hand, assessing rescue of zebrafish bbs morphants, determined the variant to be benign (Zaghloul_2010). Two clinical diagnostic laboratories have submitted clinical-significance assessments for this variant to ClinVar after 2014 and classified the variant as uncertain significance. Based on the evidence outlined above, the variant was classified as uncertain significance.

GeneDx
Classification: Uncertain significance. Last evaluated: 2019-04-26. Review status: criteria provided, single submitter. Criteria: GeneDx Variant Classification Process June 2021. Collection method: clinical testing. Allele origin: germline. Affected: yes.
Comment: Not observed in large population cohorts (Lek et al., 2016); In silico analysis, which includes protein predictors and evolutionary conservation, and a published functional study support that this variant does not alter protein structure/function (Zaghloul et al., 2010); Identified in an individual with Bardet-Biedl syndrome who also had the P363L and c.271dupT variants, but it is not known whether these variants occurred on the same (in cis) or on different (in trans) chromosomes (Stoetzel et al., 2006); This variant is associated with the following publications: (PMID: 20498079, 16582908)

Eurofins Ntd Llc (ga)
Classification: Uncertain significance. Last evaluated: 2018-01-30. Review status: criteria provided, single submitter. Criteria: EGL Classification Definitions 2015. Collection method: clinical testing. Allele origin: germline. Observed: 1 variant allele, 1 heterozygote.

Literature cited by the submitters: PubMed 16582908 (cited by Labcorp Genetics (formerly Invitae), Labcorp and Women's Health and Genetics/Laboratory Corporation of America, LabCorp); PubMed 21157496 (cited by Labcorp Genetics (formerly Invitae), Labcorp and Women's Health and Genetics/Laboratory Corporation of America, LabCorp); PubMed 20080638 (cited by Labcorp Genetics (formerly Invitae), Labcorp and Women's Health and Genetics/Laboratory Corporation of America, LabCorp); PubMed 20498079 (cited by Labcorp Genetics (formerly Invitae), Labcorp and Women's Health and Genetics/Laboratory Corporation of America, LabCorp).

NM_024685.4(BBS10):c.986C>T (p.Ser329Leu)

Gene: BBS10 (Bardet-Biedl syndrome 10; minus strand). Cytogenetic location: 12q21.2.
Variant type: single nucleotide variant.
Coding change: c.986C>T on transcript NM_024685.4 (MANE Select); coding-DNA position 986, C replaced by T.
Protein change: p.Ser329Leu; replaces serine 329 with leucine.
Molecular consequence: missense variant.
Genome position (GRCh38, 1-based): chr12:76,346,999, G>A on the plus strand (C>T on the coding strand, the complement: BBS10 is on the minus strand). VCF-style: chr12-76346999-G-A. GRCh37 (hg19) VCF-style: chr12-76740779-G-A.
Other names: c.986C>T, p.Ser329Leu (LRG_1255t1); short protein forms S329L.
Identifiers: ClinVar variation 595699 (VCV000595699.11), dbSNP rs1000990130, ClinGen allele CA239332125.
Genomic context (GRCh38, chr12:76,346,999, plus strand): 5'-GAAAGACCAATGATCCTCCGGATAAGAGAAACTTCTTCTGATGATAAACACTCAACCACT[G>A]ATATGCCATTCACCCCTGCATAATAACTAACTAAATCTGGTTGTTTCACACTAGATATGA-3'
Protein context (NP_078961.3, residues 319-339): VSYYAGVNGI[Ser329Leu]VVECLSSEEV